The following is an entry in ClinVar:

ClinVar aggregate classification (germline): Likely benign (1 of 4 stars; one submission).

Allele frequency attached by ClinVar (database versions not stated): gnomAD 0.00013; gnomAD exomes 0.00014; ExAC 0.00021; TOPMed 0.00022; 1000 Genomes Project 0.00026; ESP Exome Variant Server 0.00038; 1000 Genomes Project 30x 0.00042.

Submission:

CeGaT Center for Human Genetics Tuebingen
Classification: Likely benign. Last evaluated: 2023-02-01. Review status: criteria provided, single submitter. Criteria: CeGaT Center For Human Genetics Tuebingen Variant Classification Criteria Version 2. Collection method: clinical testing. Allele origin: germline. Affected: yes. Observed: 2 variant alleles.
Comment: ASB12: BP4, BS2; ENSG00000287370: BS2

NM_130388.4(ASB12):c.832C>T (p.Arg278Trp)

Gene: ASB12 (ankyrin repeat and SOCS box containing 12; minus strand). Cytogenetic location: Xq11.2.
Variant type: single nucleotide variant.
Coding change: c.832C>T on transcript NM_130388.4 (MANE Select); coding-DNA position 832, C replaced by T.
Protein change: p.Arg278Trp; replaces arginine 278 with tryptophan.
Molecular consequence: missense variant.
Genome position (GRCh38, 1-based): chrX:64,224,460, G>A on the plus strand (C>T on the coding strand, the complement: ASB12 is on the minus strand). VCF-style: chrX-64224460-G-A. GRCh37 (hg19) VCF-style: chrX-63444340-G-A.
Other names: short protein forms R278W.
Identifiers: ClinVar variation 2660747 (VCV002660747.23), dbSNP rs148589525, ClinGen allele CA10432587.